The following is an entry in ClinVar:

NM_004360.5(CDH1):c.1565+9G>C

Gene: CDH1 (cadherin 1; plus strand). Cytogenetic location: 16q22.1.
Variant type: single nucleotide variant.
Coding change: c.1565+9G>C on transcript NM_004360.5 (MANE Select); 9 bases into the intron after coding-DNA position 1565, G replaced by C.
Molecular consequence: intron variant.
Genome position (GRCh38, 1-based): chr16:68,815,768, G>C. VCF-style: chr16-68815768-G-C. GRCh37 (hg19) VCF-style: chr16-68849671-G-C.
Other names: c.1565+9G>C (NM_004360.4); c.17+9G>C (NM_001317185.2); c.-255+9G>C (NM_001317186.2); c.1382+9G>C (NM_001317184.2).
Identifiers: ClinVar variation 3378757 (VCV003378757.3).
Genomic context (GRCh38, chr16:68,815,768, plus strand): 5'-TCACATCCTACACTGCCCAGGAGCCAGACACATTTATGGAACAGAAAATAACGTAAGTGT[G>C]AGGATTTTTCAACTGACTTGCAGCAACTGGTTATTTTATATCATTTTATATGTAAATCAA-3'

ClinVar aggregate classification (germline): Conflicting classifications of pathogenicity. Review status: criteria provided, conflicting classifications (1 of 4 stars). 3 submissions from 3 submitters: Uncertain significance (1); Likely benign (2). Last evaluated 2025-06-25.

Conditions:
Hereditary diffuse gastric adenocarcinoma (HDGC). Also called: DIFFUSE GASTRIC AND LOBULAR BREAST CANCER SYNDROME. Identifiers: Orphanet 26106, MedGen C1708349, MONDO:0007648, OMIM 137215.

gnomAD v4.1: 1 of 1,614,210 alleles (0.000062%); highest among the groups gnomAD compares: Non-Finnish European, 0.000085%; no homozygotes.

Submissions (3):

Labcorp Genetics (formerly Invitae), Labcorp
Classification: Likely benign for Hereditary diffuse gastric adenocarcinoma. Last evaluated: 2025-06-25. Review status: criteria provided, single submitter. Criteria: Invitae Variant Classification Sherloc (09022015). Collection method: clinical testing. Allele origin: germline.

Quest Diagnostics Nichols Institute San Juan Capistrano
Classification: Uncertain significance. Last evaluated: 2025-02-12. Review status: criteria provided, single submitter. Criteria: Quest Diagnostics criteria. Collection method: clinical testing. Allele origin: unknown.
Comment: The CDH1 c.1565+9G>C variant has not been reported in individuals with CDH1-related conditions in the published literature. It also has not been reported in large, multi-ethnic general populations (Genome Aggregation Database). Analysis of this variant using software algorithms for the prediction of the effect of nucleotide changes on splicing yielded predictions that this variant does not affect CDH1 mRNA splicing. Based on the available information, we are unable to determine the clinical significance of this variant.

Myriad Genetics, Inc.
Classification: Likely benign for Hereditary diffuse gastric adenocarcinoma. Last evaluated: 2024-09-19. Review status: criteria provided, single submitter. Criteria: Myriad Autosomal Dominant, Autosomal Recessive and X-Linked Classification Criteria (2023). Collection method: clinical testing. Allele origin: unknown.
Comment: This variant is considered likely benign. This variant is intronic and is not expected to impact mRNA splicing.